The following is an entry in ClinVar:

NM_015474.4(SAMHD1):c.-18C>A

Gene: SAMHD1 (SAM and HD domain containing deoxynucleoside triphosphate triphosphohydrolase 1; minus strand). Cytogenetic location: 20q11.23.
Variant type: single nucleotide variant.
Coding change: c.-18C>A on transcript NM_015474.4 (MANE Select); 18 bases upstream of the start codon, C replaced by A.
Molecular consequence: 5 prime UTR variant.
Genome position (GRCh38, 1-based): chr20:36,951,661, G>T on the plus strand (C>A on the coding strand, the complement: SAMHD1 is on the minus strand). VCF-style: chr20-36951661-G-T. GRCh37 (hg19) VCF-style: chr20-35580064-G-T.
Other names: c.-18C>A (NM_001363729.2, NM_001363733.2).
Identifiers: ClinVar variation 4848403 (VCV004848403.1).
Genomic context (GRCh38, chr20:36,951,661, plus strand): 5'-AACGGGGACGCTTGGAGGGCTGCTCGGAATCGGCTCGCTGCATGGCTACACCTGGCGTCC[G>T]GCACAGCAGTCAAGAACCTCGGCGCCGGACCCGCGCGCAGGCGCACTGACAGCAGGGCCC-3'

ClinVar aggregate classification (germline): Uncertain significance (1 of 4 stars; one submission).

gnomAD v4.1: 43 of 1,612,364 alleles (0.0027%); highest among the groups gnomAD compares: Middle Eastern, 0.038%; no homozygotes.

Submission:

Women's Health and Genetics/Laboratory Corporation of America, LabCorp
Classification: Uncertain significance. Last evaluated: 2026-04-20. Review status: criteria provided, single submitter. Criteria: LabCorp Variant Classification Summary - May 2015. Collection method: clinical testing. Allele origin: germline.
Comment: Variant summary: SAMHD1 c.-18C>A is located in the untranslated mRNA region upstream of the initiation codon. The variant allele was found at a frequency of 3.6e-05 in 248714 control chromosomes. The available data on variant occurrences in the general population are insufficient to allow any conclusion about variant significance. To our knowledge, no occurrence of c.-18C>A in individuals affected with SAMHD1-related conditions and no experimental evidence demonstrating its impact on protein function have been reported. No submitters have cited clinical-significance assessments for this variant to ClinVar. Based on the evidence outlined above, the variant was classified as uncertain significance.